The following is an entry in ClinVar:

ClinVar aggregate classification (germline): Benign/Likely benign. Review status: criteria provided, multiple submitters, no conflicts (2 of 4 stars). 9 submissions from 8 submitters: Benign (2); Likely benign (5). 2 of the submissions do not count toward it. Last evaluated 2025-06-01.

Conditions:
Hypertrophic cardiomyopathy 3. Also called: TPM1-Related Familial Hypertrophic Cardiomyopathy. Identifiers: MedGen C1861863, MONDO:0007267, OMIM 115196.
Dilated cardiomyopathy 1Y (CMD1Y). Identifiers: Orphanet 154, Orphanet 54260, MedGen C2678476, MONDO:0012744, OMIM 611878.

Allele frequency attached by ClinVar (database versions not stated): gnomAD exomes 0.00073; ExAC 0.00139; ESP Exome Variant Server 0.00175; gnomAD 0.00315 and 0.00339; TOPMed 0.00354; 1000 Genomes Project 30x 0.00375; 1000 Genomes Project 0.00379.
gnomAD v4.1: 956 of 1,585,438 alleles (0.06%); highest among the groups gnomAD compares: African/African-American, 1.1%; 6 homozygotes.

Submissions (9):

CeGaT Center for Human Genetics Tuebingen
Classification: Likely benign. Last evaluated: 2025-06-01. Review status: criteria provided, single submitter. Criteria: CeGaT Center For Human Genetics Tuebingen Variant Classification Criteria Version 2. Collection method: clinical testing. Allele origin: germline. Affected: yes. Observed: 1 variant allele.
Comment: TPM1: BP4, BP7, BS1

Molecular Diagnostic Laboratory for Inherited Cardiovascular Disease, Montreal Heart Institute
Classification: Benign. Last evaluated: 2025-04-09. Review status: criteria provided, single submitter. Criteria: ACMG Guidelines, 2015. Collection method: clinical testing. Allele origin: germline. Affected: no.

Blueprint Genetics
Classification: Likely benign. Last evaluated: 2022-10-13. Review status: criteria provided, single submitter. Criteria: ACMG Guidelines, 2015. Collection method: clinical testing. Allele origin: germline.

Illumina Laboratory Services, Illumina
Classification: Likely benign for Dilated cardiomyopathy 1Y. Last evaluated: 2018-01-13. Review status: criteria provided, single submitter. Criteria: ICSL Variant Classification Criteria 13 December 2019. Collection method: clinical testing. Allele origin: germline.
Comment: This variant was observed in the ICSL laboratory as part of a predisposition screen in an ostensibly healthy population. It had not been previously curated by ICSL or reported in the Human Gene Mutation Database (HGMD: prior to June 1st, 2018), and was therefore a candidate for classification through an automated scoring system. Utilizing variant allele frequency, disease prevalence and penetrance estimates, and inheritance mode, an automated score was calculated to assess if this variant is too frequent to cause the disease. Based on the score and internal cut-off values, a variant classified as likely benign is not then subjected to further curation. The score for this variant resulted in a classification of likely benign for this disease.

Illumina Laboratory Services, Illumina
Classification: Likely benign for Hypertrophic cardiomyopathy 3. Last evaluated: 2018-01-13. Review status: criteria provided, single submitter. Criteria: ICSL Variant Classification Criteria 13 December 2019. Collection method: clinical testing. Allele origin: germline.
Comment: the same text as in the submission from Illumina Laboratory Services, Illumina above.

GeneDx
Classification: Benign. Last evaluated: 2015-03-03. Review status: criteria provided, single submitter. Criteria: GeneDx Variant Classification Process June 2021. Collection method: clinical testing. Allele origin: germline. Affected: yes.

Breakthrough Genomics
Classification: Likely benign. Review status: criteria provided, single submitter. Criteria: ACMG Guidelines, 2015. Collection method: not provided. Allele origin: germline. Inheritance: Autosomal dominant inheritance. Affected: yes.

Genome Diagnostics Laboratory, University Medical Center Utrecht
Classification: Likely benign. Review status: no assertion criteria provided. Collection method: clinical testing. Allele origin: germline. Affected: yes. Study: VKGL Data-share Consensus. Not counted in ClinVar's aggregate classification.

Joint Genome Diagnostic Labs from Nijmegen and Maastricht, Radboudumc and MUMC+
Classification: Likely benign. Review status: no assertion criteria provided. Collection method: clinical testing. Allele origin: germline. Affected: yes. Study: VKGL Data-share Consensus. Not counted in ClinVar's aggregate classification.

NM_001018005.2(TPM1):c.*76A>G

Gene: TPM1 (tropomyosin 1; plus strand). Cytogenetic location: 15q22.2.
Variant type: single nucleotide variant.
Coding change: c.*76A>G on transcript NM_001018005.2 (MANE Select); 76 bases downstream of the stop codon, A replaced by G.
Molecular consequence: 3 prime UTR variant. On other transcripts: synonymous variant (2), intron variant (10).
Genome position (GRCh38, 1-based): chr15:63,065,975, A>G. VCF-style: chr15-63065975-A-G. GRCh37 (hg19) VCF-style: chr15-63358174-A-G.
Other names: c.*124A>G (NM_000366.6, NM_001365779.1); c.*76A>G (NM_001301244.2, NM_001330346.2); c.852A>G, p.Leu284= (NM_001365777.1); c.744A>G, p.Leu248= (NM_001365780.1); c.*1829A>G (NM_001365781.2, NM_001365782.1); c.898+3330A>G (NM_001365778.1); c.772+3330A>G (NM_001018020.2, NM_001018007.2, NM_001018006.2 and 2 more transcripts); c.664+3330A>G (NM_001330351.2, NM_001330344.2, NM_001018008.2 and 1 more transcripts).
Identifiers: ClinVar variation 316690 (VCV000316690.22), dbSNP rs140658011, ClinGen allele CA033139.